The following is an entry in ClinVar:

ClinVar aggregate classification (germline): Pathogenic/Likely pathogenic. Review status: criteria provided, multiple submitters, no conflicts (2 of 4 stars). 3 submissions from 3 submitters: Pathogenic (2); Likely pathogenic (1). Last evaluated 2025-06-15.

Conditions:
Zellweger spectrum disorders (ZS). Also called: Zellweger Spectrum Disorder (ZSD); Zellweger syndrome; Zellweger Spectrum Disorder; Zellweger Spectrum. Identifiers: Orphanet 912, MedGen C0043459, MONDO:0019609.
Peroxisome biogenesis disorder 1A (Zellweger) (PBD1A). Also called: Peroxisome biogenesis disorder 1a; Zellweger leukodystrophy. Identifiers: MedGen C4721541, MONDO:0008953, OMIM 214100.

Submissions (3):

Victorian Clinical Genetics Services, Murdoch Childrens Research Institute
Classification: Pathogenic for Peroxisome biogenesis disorder 1A (Zellweger). Last evaluated: 2025-06-15. Review status: criteria provided, single submitter. Criteria: ACMG Guidelines, 2015. Collection method: clinical testing. Allele origin: germline. Affected: no.
Comment: This variant is classified as Pathogenic. Evidence in support of pathogenic classification: Variant is predicted to cause nonsense-mediated decay (NMD) and loss of protein (premature termination codon is located at least 54 nucleotides upstream of the final exon-exon junction); Variant is present in gnomAD <0.01 for a recessive condition (v4: 1 heterozygote(s), 0 homozygote(s)); This variant has limited previous evidence of pathogenicity in unrelated individual(s). This variant has been classified as pathogenic by a clinical laboratory (ClinVar). This variant has been reported in an infant diagnosed with Zellweger spectrum disorder (PMID: 39062617); Other NMD-predicted variant(s) comparable to the one identified in this case have very strong previous evidence for pathogenicity (DECIPHER). Additional information: This variant is heterozygous; This gene is associated with autosomal recessive disease; Loss of function is a known mechanism of disease in this gene and is associated with Heimler syndrome 1 (MIM#234580), peroxisome biogenesis disorder 1A (Zellweger; MIM#214100), peroxisome biogenesis disorder 1B (NALD/IRD; MIM#601539) and peroxisome biogenesis disorder due to PEX1 defect (MONDO:0100259).

Natera, Inc.
Classification: Likely pathogenic for Zellweger syndrome. Last evaluated: 2024-05-20. Review status: criteria provided, single submitter. Criteria: Natera Variant Classification Schema (03/2026). Collection method: clinical testing. Allele origin: germline.
Comment: The c.3152_3156delTTTAC variant in PEX1 is a frameshift variant predicted to shift the reading frame beginning at codon 1051 and leads to a stop codon 24 codons downstream. This variant is expected to result in nonsense mediated decay, truncation, or a dysfunctional protein product. This variant is rare in the general population with a frequency below the threshold expected for the associated phenotype(s). Given the available evidence, this variant is classified as Likely Pathogenic.

Labcorp Genetics (formerly Invitae), Labcorp
Classification: Pathogenic for Zellweger spectrum disorders. Last evaluated: 2022-07-06. Review status: criteria provided, single submitter. Criteria: Invitae Variant Classification Sherloc (09022015). Collection method: clinical testing. Allele origin: germline.
Comment: For these reasons, this variant has been classified as Pathogenic. This variant has not been reported in the literature in individuals affected with PEX1-related conditions. This variant is not present in population databases (gnomAD no frequency). This sequence change creates a premature translational stop signal (p.Leu1051Glnfs*24) in the PEX1 gene. It is expected to result in an absent or disrupted protein product. Loss-of-function variants in PEX1 are known to be pathogenic (PMID: 9398847, 16086329, 16141001, 21031596, 26387595, 31831025).

Literature cited by the submitters: PubMed 39062617 (cited by Victorian Clinical Genetics Services, Murdoch Childrens Research Institute); PubMed 9398847 (cited by Labcorp Genetics (formerly Invitae), Labcorp); PubMed 16086329 (cited by Labcorp Genetics (formerly Invitae), Labcorp); PubMed 16141001 (cited by Labcorp Genetics (formerly Invitae), Labcorp); PubMed 21031596 (cited by Labcorp Genetics (formerly Invitae), Labcorp); PubMed 26387595 (cited by Labcorp Genetics (formerly Invitae), Labcorp); PubMed 31831025 (cited by Labcorp Genetics (formerly Invitae), Labcorp).

NM_000466.3(PEX1):c.3152_3156del (p.Leu1051fs)

Genes: PEX1 (peroxisomal biogenesis factor 1; minus strand), GATAD1 (GATA zinc finger domain containing 1; plus strand). Cytogenetic location: 7q21.2.
Variant type: Microsatellite.
Coding change: c.3152_3156del on transcript NM_000466.3 (MANE Select); coding-DNA positions 3152 to 3156, 5 bases deleted (TTTAC; older notation c.3152_3156delTTTAC).
Protein change: p.Leu1051fs; shifts the reading frame from leucine 1051.
Molecular consequence: frameshift variant.
Genome position (GRCh38, 1-based): chr7:92,493,004-92,493,008, GTAAA deleted on the plus strand (TTTAC on the coding strand, the reverse complement: PEX1 is on the minus strand); deleting any 5 consecutive bases within chr7:92,493,004-92,493,014 gives the same sequence; the c. name uses the placement nearest the transcript's 3' end. VCF-style (leftmost placement, unchanged base first): chr7-92493003-TGTAAA-T. GRCh37 (hg19) VCF-style: chr7-92122317-TGTAAA-T.
Other names: c.2981_2985del, p.Leu994fs (NM_001282677.2); c.2528_2532del, p.Leu843fs (NM_001282678.2); c.3152_3156delTTTAC (NM_000466.2); short protein forms L1051fs, L994fs, L843fs.
Identifiers: ClinVar variation 1363179 (VCV001363179.9), dbSNP rs2116077430, ClinGen allele CA2580615930.
Genomic context (GRCh38, chr7:92,493,003, plus strand): 5'-TATAACTTGCCTGGAGTCCACTCGAGAGCAGCATTCCATGTAAGGCCTCCAATTGGGCAT[TGTAAA>T]GTAAAGCTTTCAGATCAGCTCCAGTAAAGGAGTCAGTTACTGATGCTACATGCTGAAGGT-3'